The following is an entry in ClinVar:

ClinVar aggregate classification (germline): Uncertain significance. Review status: criteria provided, multiple submitters, no conflicts (2 of 4 stars). 2 submissions from 2 submitters: Uncertain significance (2). Last evaluated 2026-07-25.

Conditions:
FUS-related disorder. Also called: FUS-related condition.
Tremor, hereditary essential, 4 (ETM4). Identifiers: MedGen C3539195, MONDO:0013888, OMIM 614782.
Amyotrophic lateral sclerosis type 6. Also called: FUS-Related Amyotrophic Laterial Sclerosis; AMYOTROPHIC LATERAL SCLEROSIS 6 WITHOUT FRONTOTEMPORAL DEMENTIA; Amyotrophic lateral sclerosis 6, with or without frontotemporal dementia. Identifiers: Orphanet 275872, Orphanet 803, MedGen C2931786, MONDO:0011951, OMIM 608030.

Allele frequency attached by ClinVar (database versions not stated): gnomAD 0.00001; gnomAD exomes 0.00001 and 0.00002; ExAC 0.00002; TOPMed 0.00003; ESP Exome Variant Server 0.00008.

Submissions (2):

PreventionGenetics, part of Exact Sciences
Classification: Uncertain significance for FUS-related condition. Last evaluated: 2026-07-25. Review status: criteria provided, single submitter. Criteria: ACMG Guidelines, 2015. Collection method: clinical testing. Allele origin: germline.
Comment: The FUS c.265T>A variant is predicted to result in the amino acid substitution p.Ser89Thr. To our knowledge, this variant has not been reported in the literature. This variant is reported in 0.0035% of alleles in individuals of European (Non-Finnish) descent in gnomAD. At this time, the clinical significance of this variant is uncertain due to the absence of conclusive functional and genetic evidence.

Labcorp Genetics (formerly Invitae), Labcorp
Classification: Uncertain significance for Tremor, hereditary essential, 4; Amyotrophic lateral sclerosis type 6. Last evaluated: 2022-03-28. Review status: criteria provided, single submitter. Criteria: Invitae Variant Classification Sherloc (09022015). Collection method: clinical testing. Allele origin: germline.
Comment: In summary, the available evidence is currently insufficient to determine the role of this variant in disease. Therefore, it has been classified as a Variant of Uncertain Significance. Algorithms developed to predict the effect of missense changes on protein structure and function are either unavailable or do not agree on the potential impact of this missense change (SIFT: "Tolerated"; PolyPhen-2: "Not Available"; Align-GVGD: "Class C0"). ClinVar contains an entry for this variant (Variation ID: 1045687). This variant has not been reported in the literature in individuals affected with FUS-related conditions. This variant is present in population databases (rs372638663, gnomAD 0.004%). This sequence change replaces serine, which is neutral and polar, with threonine, which is neutral and polar, at codon 89 of the FUS protein (p.Ser89Thr).

NM_004960.4(FUS):c.265T>A (p.Ser89Thr)

Gene: FUS (FUS RNA binding protein; plus strand). Cytogenetic location: 16p11.2.
Variant type: single nucleotide variant.
Coding change: c.265T>A on transcript NM_004960.4 (MANE Select); coding-DNA position 265, T replaced by A.
Protein change: p.Ser89Thr; replaces serine 89 with threonine.
Molecular consequence: missense variant. On other transcripts: non-coding transcript variant (1).
Genome position (GRCh38, 1-based): chr16:31,183,932, T>A. VCF-style: chr16-31183932-T-A. GRCh37 (hg19) VCF-style: chr16-31195253-T-A.
Other names: c.262T>A, p.Ser88Thr (NM_001170634.1); c.265T>A, p.Ser89Thr (NM_001170937.1); c.265T>A (NM_004960.3); short protein forms S88T, S89T.
Identifiers: ClinVar variation 1045687 (VCV001045687.10), dbSNP rs372638663, ClinGen allele CA8023555.
Genomic context (GRCh38, chr16:31,183,932, plus strand): 5'-CAGTCAACTCCCCAGGGATATGGCTCGACTGGCGGCTATGGCAGTAGCCAGAGCTCCCAA[T>A]CGTCTTACGGGCAGCAGTCCTCCTACCCTGGCTATGGCCAGCAGCCAGCTCCCAGCAGCA-3'
Protein context (NP_004951.1, residues 79-99): GGYGSSQSSQ[Ser89Thr]SYGQQSSYPG